The following is an entry in ClinVar:

ClinVar aggregate classification (germline): Uncertain significance (1 of 4 stars; one submission).

Conditions:
Cardiovascular phenotype. Identifiers: MedGen CN230736.

Submission:

Ambry Genetics
Classification: Uncertain significance for Cardiovascular phenotype. Last evaluated: 2021-11-19. Review status: criteria provided, single submitter. Criteria: Ambry Variant Classification Scheme 2023. Collection method: clinical testing. Allele origin: germline.
Comment: The p.Q986P variant (also known as c.2957A>C), located in coding exon 21 of the DSP gene, results from an A to C substitution at nucleotide position 2957. The glutamine at codon 986 is replaced by proline, an amino acid with similar properties. This amino acid position is conserved. In addition, this alteration is predicted to be deleterious by in silico analysis. Since supporting evidence is limited at this time, the clinical significance of this alteration remains unclear.

NM_004415.4(DSP):c.2957A>C (p.Gln986Pro)

Gene: DSP (desmoplakin; plus strand). Cytogenetic location: 6p24.3.
Variant type: single nucleotide variant.
Coding change: c.2957A>C on transcript NM_004415.4 (MANE Select); coding-DNA position 2957, A replaced by C.
Protein change: p.Gln986Pro; replaces glutamine 986 with proline.
Molecular consequence: missense variant.
Genome position (GRCh38, 1-based): chr6:7,577,858, A>C. VCF-style: chr6-7577858-A-C. GRCh37 (hg19) VCF-style: chr6-7578091-A-C.
Other names: c.2957A>C, p.Gln986Pro (NM_001008844.3, NM_001319034.2); short protein forms Q986P.
Identifiers: ClinVar variation 1798115 (VCV001798115.2), dbSNP rs2533917461, ClinGen allele CA362682521.